The following is an entry in ClinVar:

NM_001134363.3(RBM20):c.1024C>A (p.Pro342Thr)

Gene: RBM20 (RNA binding motif protein 20; plus strand). Cytogenetic location: 10q25.2.
Variant type: single nucleotide variant.
Coding change: c.1024C>A on transcript NM_001134363.3 (MANE Select); coding-DNA position 1024, C replaced by A.
Protein change: p.Pro342Thr; replaces proline 342 with threonine.
Molecular consequence: missense variant.
Genome position (GRCh38, 1-based): chr10:110,781,633, C>A. VCF-style: chr10-110781633-C-A. GRCh37 (hg19) VCF-style: chr10-112541391-C-A.
Other names: short protein forms P342T.
Identifiers: ClinVar variation 229182 (VCV000229182.16), dbSNP rs876657971, ClinGen allele CA10576761.

ClinVar aggregate classification (germline): Conflicting classifications of pathogenicity. Review status: criteria provided, conflicting classifications (1 of 4 stars). 5 submissions from 5 submitters: Uncertain significance (3); Benign (2). Last evaluated 2025-12-21.

Conditions:
Cardiovascular phenotype. Identifiers: MedGen CN230736.
Dilated cardiomyopathy 1DD (CMD1DD). Identifiers: Orphanet 154, MedGen C2750995, MONDO:0013168, OMIM 613172.

Allele frequency attached by ClinVar (database versions not stated): gnomAD exomes 0.00001; gnomAD 0.00007; TOPMed 0.00010.
gnomAD v4.1: 24 of 1,549,560 alleles (0.0015%); highest among the groups gnomAD compares: African/African-American, 0.032%; no homozygotes.

Submissions (5):

Labcorp Genetics (formerly Invitae), Labcorp
Classification: Benign for Dilated cardiomyopathy 1DD. Last evaluated: 2025-12-21. Review status: criteria provided, single submitter. Criteria: Invitae Variant Classification Sherloc (09022015). Collection method: clinical testing. Allele origin: germline.

Ambry Genetics
Classification: Uncertain significance for Cardiovascular phenotype. Last evaluated: 2022-09-15. Review status: criteria provided, single submitter. Criteria: Ambry Variant Classification Scheme 2023. Collection method: clinical testing. Allele origin: germline.
Comment: The p.P342T variant (also known as c.1024C>A), located in coding exon 2 of the RBM20 gene, results from a C to A substitution at nucleotide position 1024. The proline at codon 342 is replaced by threonine, an amino acid with highly similar properties. In addition, this alteration is predicted to be tolerated by in silico analysis. Since supporting evidence is limited at this time, the clinical significance of this alteration remains unclear.

Center for Genomics, Ann and Robert H. Lurie Children's Hospital of Chicago
Classification: Uncertain significance for Dilated cardiomyopathy 1DD. Last evaluated: 2021-03-30. Review status: criteria provided, single submitter. Criteria: ACMG Guidelines, 2015. Collection method: clinical testing. Allele origin: germline.
Comment: RBM20 NM_001134363.2 exon 2 p.Pro342Thr (c.1024C>A): This variant has not been reported in the literature and is present in 0.03% (5/16630) of African alleles in the Genome Aggregation Database. This variant is present in ClinVar (Variation ID:229182). This variant amino acid Threonine (Thr) is present in several species including the alpaca, bactrian camel, and shrew, and it is not well conserved among evolutionarily distant species; this suggests that this variant may not impact the protein. Additional computational prediction tools do not suggest an impact. In summary, data on this variant is insufficient for disease classification. Therefore, the clinical significance of this variant is uncertain.

Laboratory for Molecular Medicine, Mass General Brigham Personalized Medicine
Classification: Benign. Last evaluated: 2019-12-11. Review status: criteria provided, single submitter. Criteria: LMM Criteria. Collection method: clinical testing. Allele origin: germline. Observed: 1 variant allele.
Comment: proposed classification - variant undergoing re-assessment, contact laboratory

GeneDx
Classification: Uncertain significance. Last evaluated: 2018-03-05. Review status: criteria provided, single submitter. Criteria: GeneDx Variant Classification (06012015). Collection method: clinical testing. Allele origin: germline. Affected: yes.
Comment: A variant of uncertain significance has been identified in the RBM20 gene. The P342T variant has not been published as pathogenic or been reported as benign to our knowledge. This variant is not observed in large population cohorts (Lek et al., 2016; 1000 Genomes Consortium et al., 2015; Exome Variant Server). The P342T variant is a non-conservative amino acid substitution, which is likely to impact secondary protein structure as these residues differ in polarity, charge, size and/or other properties. However, this substitution occurs at a position that is not conserved across species and where threonine is present as the wild type in several species. Furthermore, in silico analysis predicts this variant likely does not alter the protein structure/function.

Literature cited by the submitters: PubMed 31198128 (cited by Ambry Genetics).